The following is an entry in ClinVar:

ClinVar aggregate classification (germline): Uncertain significance. Review status: criteria provided, multiple submitters, no conflicts (2 of 4 stars). 3 submissions from 3 submitters: Uncertain significance (3). Last evaluated 2025-04-28.

Conditions:
Retinitis pigmentosa 7 (RP7). Identifiers: Orphanet 791, MedGen C1842475, MONDO:0011974, OMIM 608133.

Allele frequency attached by ClinVar (database versions not stated): ExAC 0.00001; gnomAD exomes 0.00001 and 0.00002; TOPMed 0.00001.

Submissions (3):

Labcorp Genetics (formerly Invitae), Labcorp
Classification: Uncertain significance. Last evaluated: 2025-04-28. Review status: criteria provided, single submitter. Criteria: Invitae Variant Classification Sherloc (09022015). Collection method: clinical testing. Allele origin: germline.
Comment: This sequence change replaces glycine, which is neutral and non-polar, with aspartic acid, which is acidic and polar, at codon 75 of the ROM1 protein (p.Gly75Asp). The frequency data for this variant in the population databases is considered unreliable, as metrics indicate poor data quality at this position in the gnomAD database. This missense change has been observed in individual(s) with retinitis pigmentosa (PMID: 8595413). ClinVar contains an entry for this variant (Variation ID: 838021). Invitae Evidence Modeling of protein sequence and biophysical properties (such as structural, functional, and spatial information, amino acid conservation, physicochemical variation, residue mobility, and thermodynamic stability) indicates that this missense variant is not expected to disrupt ROM1 protein function with a negative predictive value of 80%. In summary, the available evidence is currently insufficient to determine the role of this variant in disease. Therefore, it has been classified as a Variant of Uncertain Significance.

Revvity Omics, Revvity
Classification: Uncertain significance for Retinitis pigmentosa 7. Last evaluated: 2024-03-22. Review status: criteria provided, single submitter. Criteria: ACMG Guidelines, 2015. Collection method: clinical testing. Allele origin: germline.

Blueprint Genetics
Classification: Uncertain significance. Last evaluated: 2024-03-18. Review status: criteria provided, single submitter. Criteria: ACMG Guidelines, 2015. Collection method: clinical testing. Allele origin: germline.

Literature cited by the submitters: PubMed 8595413 (cited by Labcorp Genetics (formerly Invitae), Labcorp).

NM_000327.4(ROM1):c.224G>A (p.Gly75Asp)

Gene: ROM1 (retinal outer segment membrane protein 1; plus strand). Cytogenetic location: 11q12.3.
Variant type: single nucleotide variant.
Coding change: c.224G>A on transcript NM_000327.4 (MANE Select); coding-DNA position 224, G replaced by A.
Protein change: p.Gly75Asp; replaces glycine 75 with aspartic acid.
Molecular consequence: missense variant.
Genome position (GRCh38, 1-based): chr11:62,613,505, G>A. VCF-style: chr11-62613505-G-A. GRCh37 (hg19) VCF-style: chr11-62380977-G-A.
Other names: short protein forms G75D.
Identifiers: ClinVar variation 838021 (VCV000838021.11), dbSNP rs747140028, ClinGen allele CA6049675.